The following is an entry in ClinVar:

NM_001003800.2(BICD2):c.836C>T (p.Ser279Leu)

Gene: BICD2 (BICD cargo adaptor 2; minus strand). Cytogenetic location: 9q22.31.
Variant type: single nucleotide variant.
Coding change: c.836C>T on transcript NM_001003800.2 (MANE Select); coding-DNA position 836, C replaced by T.
Protein change: p.Ser279Leu; replaces serine 279 with leucine.
Molecular consequence: missense variant.
Genome position (GRCh38, 1-based): chr9:92,720,526, G>A on the plus strand (C>T on the coding strand, the complement: BICD2 is on the minus strand). VCF-style: chr9-92720526-G-A. GRCh37 (hg19) VCF-style: chr9-95482808-G-A.
Other names: c.836C>T, p.Ser279Leu (NM_015250.4); short protein forms S279L.
Identifiers: ClinVar variation 3712130 (VCV003712130.2).
Genomic context (GRCh38, chr9:92,720,526, plus strand): 5'-AGGGCCTCGGCATCGTTGTTGGGCTCGGCAGCATCGTCACTGAACTTGAGGCCATCCAGC[G>A]AGACATGCAGGTGGCTGGTGTAGAAGGAGTCATTGATGCTCATGTAGTGTGACAGCTCCT-3'
Protein context (NP_001003800.1, residues 269-289): DSFYTSHLHV[Ser279Leu]LDGLKFSDDA

ClinVar aggregate classification (germline): Uncertain significance (1 of 4 stars; one submission).

Conditions:
Autosomal dominant childhood-onset proximal spinal muscular atrophy with contractures (SMALED2A). Also called: Spinal muscular atrophy, lower extremity-predominant, 2A, autosomal dominant; SPINAL MUSCULAR ATROPHY, LOWER EXTREMITY-PREDOMINANT, 2A, CHILDHOOD ONSET, AUTOSOMAL DOMINANT. Identifiers: Orphanet 363447, Orphanet 363454, MedGen C4747715, MONDO:0014121, OMIM 615290.

gnomAD v4.1: 4 of 1,614,208 alleles (0.00025%); highest among the groups gnomAD compares: Non-Finnish European, 0.00034%; no homozygotes.

Submission:

Labcorp Genetics (formerly Invitae), Labcorp
Classification: Uncertain significance for Autosomal dominant childhood-onset proximal spinal muscular atrophy with contractures. Last evaluated: 2024-03-15. Review status: criteria provided, single submitter. Criteria: Invitae Variant Classification Sherloc (09022015). Collection method: clinical testing. Allele origin: germline.
Comment: This sequence change replaces serine, which is neutral and polar, with leucine, which is neutral and non-polar, at codon 279 of the BICD2 protein (p.Ser279Leu). This variant is present in population databases (no rsID available, gnomAD 0.0009%). This variant has not been reported in the literature in individuals affected with BICD2-related conditions. Advanced modeling of protein sequence and biophysical properties (such as structural, functional, and spatial information, amino acid conservation, physicochemical variation, residue mobility, and thermodynamic stability) performed at Invitae indicates that this missense variant is not expected to disrupt BICD2 protein function with a negative predictive value of 80%. In summary, the available evidence is currently insufficient to determine the role of this variant in disease. Therefore, it has been classified as a Variant of Uncertain Significance.